The following is an entry in ClinVar:

NC_000015.9:g.(?_51200976)_(51226914_?)dup

Gene: AP4E1 (adaptor related protein complex 4 subunit epsilon 1; plus strand). Cytogenetic location: 15q21.2.
Variant type: Duplication.
Identifiers: ClinVar variation 2425753 (VCV002425753.4).

ClinVar aggregate classification (germline): Uncertain significance (1 of 4 stars; one submission).

Conditions:
Spastic paraplegia. Identifiers: MedGen C0037772, HP:0001258.

Submission:

Labcorp Genetics (formerly Invitae), Labcorp
Classification: Uncertain significance for Spastic paraplegia. Last evaluated: 2022-07-22. Review status: criteria provided, single submitter. Criteria: Invitae Variant Classification Sherloc (09022015). Collection method: clinical testing. Allele origin: germline.
Comment: This variant results in a copy number gain of the genomic region encompassing exon(s) 1-8 of the AP4E1 gene. This region includes the initiator codon of the gene. This copy number gain extends beyond the assayed region for this gene and therefore may encompass additional genes. As the precise location of this event is unknown, it may be in tandem or it may be located elsewhere in the genome. This variant has not been reported in the literature in individuals affected with AP4E1-related conditions. In summary, the available evidence is currently insufficient to determine the role of this variant in disease. Therefore, it has been classified as a Variant of Uncertain Significance.